The following is an entry in ClinVar:

ClinVar aggregate classification (germline): Uncertain significance (1 of 4 stars; one submission).

gnomAD v4.1: 20 of 1,613,794 alleles (0.0012%); highest among the groups gnomAD compares: South Asian, 0.0022%; no homozygotes.

Submissions (3):

Labcorp Genetics (formerly Invitae), Labcorp
Classification: Uncertain significance. Last evaluated: 2025-11-23. Review status: criteria provided, single submitter. Criteria: Invitae Variant Classification Sherloc (09022015). Collection method: clinical testing. Allele origin: germline.
Comment: This sequence change replaces arginine, which is basic and polar, with glutamine, which is neutral and polar, at codon 80 of the MRPS14 protein (p.Arg80Gln). This variant is present in population databases (rs749935224, gnomAD 0.006%). This variant has not been reported in the literature in individuals affected with MRPS14-related conditions. An algorithm developed to predict the effect of missense changes on protein structure and function (PolyPhen-2) suggests that this variant is likely to be tolerated. In summary, the available evidence is currently insufficient to determine the role of this variant in disease. Therefore, it has been classified as a Variant of Uncertain Significance.

Dr. Peter K. Rogan Lab, Western University
No classification provided (evidence only). Condition: Melanoma. Review status: no classification provided. Collection method: in vitro. Allele origin: not applicable. Functional consequence: retained intron. Not counted in ClinVar's aggregate classification.

Dr. Peter K. Rogan Lab, Western University
No classification provided (evidence only). Condition: Thymoma. Review status: no classification provided. Collection method: in vitro. Allele origin: not applicable. Functional consequence: retained intron. Not counted in ClinVar's aggregate classification.

NM_022100.3(MRPS14):c.239G>A (p.Arg80Gln)

Gene: MRPS14 (mitochondrial ribosomal protein S14; minus strand). Cytogenetic location: 1q25.1.
Variant type: single nucleotide variant.
Coding change: c.239G>A on transcript NM_022100.3 (MANE Select); coding-DNA position 239, G replaced by A.
Protein change: p.Arg80Gln; replaces arginine 80 with glutamine.
Molecular consequence: missense variant. On other transcripts: non-coding transcript variant (1).
Genome position (GRCh38, 1-based): chr1:175,014,817, C>T on the plus strand (G>A on the coding strand, the complement: MRPS14 is on the minus strand). VCF-style: chr1-175014817-C-T. GRCh37 (hg19) VCF-style: chr1-174983953-C-T.
Other names: NC_000001.10:g.174983953C>T; short protein forms R80Q.
Identifiers: ClinVar variation 4326379 (VCV004326379.2).